The following is an entry in ClinVar:

NM_032043.3(BRIP1):c.100A>G (p.Arg34Gly)

Gene: BRIP1 (BRCA1 interacting DNA helicase 1; minus strand). Cytogenetic location: 17q23.2.
Variant type: single nucleotide variant.
Coding change: c.100A>G on transcript NM_032043.3 (MANE Select); coding-DNA position 100, A replaced by G.
Protein change: p.Arg34Gly; replaces arginine 34 with glycine.
Molecular consequence: missense variant.
Genome position (GRCh38, 1-based): chr17:61,859,901, T>C on the plus strand (A>G on the coding strand, the complement: BRIP1 is on the minus strand). VCF-style: chr17-61859901-T-C. GRCh37 (hg19) VCF-style: chr17-59937262-T-C.
Other names: short protein forms R34G.
Identifiers: ClinVar variation 1517302 (VCV001517302.10), dbSNP rs2145852980, ClinGen allele CA400485873.

ClinVar aggregate classification (germline): Uncertain significance. Review status: criteria provided, multiple submitters, no conflicts (2 of 4 stars). 2 submissions from 2 submitters: Uncertain significance (2). Last evaluated 2023-09-20.

Conditions:
Familial cancer of breast. Also called: hereditary breast carcinoma; Hereditary breast cancer; BREAST CANCER, FAMILIAL. Identifiers: Orphanet 227535, MedGen C0346153, MONDO:0016419, OMIM 114480. Disease mechanism: loss of function.
Fanconi anemia complementation group J. Also called: BRIP1-Related Fanconi Anemia. Identifiers: Orphanet 84, MedGen C1836860, MONDO:0012187, OMIM 609054.

Allele frequency attached by ClinVar (database versions not stated): gnomAD exomes below 0.00001.
gnomAD v4.1: 1 of 1,597,532 alleles (0.000063%); highest among the groups gnomAD compares: Non-Finnish European, 0.000086%; no homozygotes.

Submissions (2):

Baylor Genetics
Classification: Uncertain significance for Familial cancer of breast. Last evaluated: 2023-09-20. Review status: criteria provided, single submitter. Criteria: ACMG Guidelines, 2015. Collection method: clinical testing. Allele origin: unknown.

Labcorp Genetics (formerly Invitae), Labcorp
Classification: Uncertain significance for Familial cancer of breast; Fanconi anemia complementation group J. Last evaluated: 2021-01-18. Review status: criteria provided, single submitter. Criteria: Invitae Variant Classification Sherloc (09022015). Collection method: clinical testing. Allele origin: germline.
Comment: This sequence change replaces arginine with glycine at codon 34 of the BRIP1 protein (p.Arg34Gly). The arginine residue is highly conserved and there is a moderate physicochemical difference between arginine and glycine. This variant is not present in population databases (ExAC no frequency). This variant has not been reported in the literature in individuals with BRIP1-related conditions. Algorithms developed to predict the effect of missense changes on protein structure and function are either unavailable or do not agree on the potential impact of this missense change (SIFT: "Deleterious"; PolyPhen-2: "Possibly Damaging"; Align-GVGD: "Class C0"). In summary, the available evidence is currently insufficient to determine the role of this variant in disease. Therefore, it has been classified as a Variant of Uncertain Significance.